The following is an entry in ClinVar:

NM_182961.4(SYNE1):c.6230+234A>G

Gene: SYNE1 (spectrin repeat containing nuclear envelope protein 1; minus strand). Cytogenetic location: 6q25.2.
Variant type: single nucleotide variant.
Coding change: c.6230+234A>G on transcript NM_182961.4 (MANE Select); 234 bases into the intron after coding-DNA position 6230, A replaced by G.
Molecular consequence: intron variant.
Genome position (GRCh38, 1-based): chr6:152,413,118, T>C on the plus strand (A>G on the coding strand, the complement: SYNE1 is on the minus strand). VCF-style: chr6-152413118-T-C. GRCh37 (hg19) VCF-style: chr6-152734253-T-C.
Other names: c.6251+234A>G (NM_033071.5).
Identifiers: ClinVar variation 677364 (VCV000677364.1), dbSNP rs138638560, ClinGen allele CA150205841.

ClinVar aggregate classification (germline): Likely benign (1 of 4 stars; one submission).

Allele frequency attached by ClinVar (database versions not stated): 1000 Genomes Project 30x 0.01889; 1000 Genomes Project 0.01917; TOPMed 0.02651; gnomAD 0.02658 and 0.02700.
gnomAD v4.1: 4,039 of 152,338 alleles (2.7%); highest among the groups gnomAD compares: Non-Finnish European, 3.6%; 62 homozygotes.

Submission:

GeneDx
Classification: Likely benign. Last evaluated: 2018-06-19. Review status: criteria provided, single submitter. Criteria: GeneDx Variant Classification (06012015). Collection method: clinical testing. Allele origin: germline. Affected: yes.
Comment: This variant is considered likely benign or benign based on one or more of the following criteria: it is a conservative change, it occurs at a poorly conserved position in the protein, it is predicted to be benign by multiple in silico algorithms, and/or has population frequency not consistent with disease.